The following is an entry in ClinVar:

ClinVar aggregate classification (germline): Pathogenic (1 of 4 stars; one submission).

Submission:

Labcorp Genetics (formerly Invitae), Labcorp
Classification: Pathogenic. Last evaluated: 2019-10-05. Review status: criteria provided, single submitter. Criteria: Invitae Variant Classification Sherloc (09022015). Collection method: clinical testing. Allele origin: germline.
Comment: For these reasons, this variant has been classified as Pathogenic. Loss-of-function variants in LAMB3 are known to be pathogenic (PMID: 11023379, 16473856). This variant has not been reported in the literature in individuals with LAMB3-related conditions. This variant is not present in population databases (ExAC no frequency). This sequence change creates a premature translational stop signal (p.Gln359*) in the LAMB3 gene. It is expected to result in an absent or disrupted protein product.

Literature cited by the submitters: PubMed 11023379; PubMed 16473856.

NM_000228.3(LAMB3):c.1075C>T (p.Gln359Ter)

Gene: LAMB3 (laminin subunit beta 3; minus strand). Cytogenetic location: 1q32.2.
Variant type: single nucleotide variant.
Coding change: c.1075C>T on transcript NM_000228.3 (MANE Select); coding-DNA position 1075, C replaced by T.
Protein change: p.Gln359Ter; replaces glutamine 359 with a stop codon.
Molecular consequence: nonsense.
Genome position (GRCh38, 1-based): chr1:209,629,794, G>A on the plus strand (C>T on the coding strand, the complement: LAMB3 is on the minus strand). VCF-style: chr1-209629794-G-A. GRCh37 (hg19) VCF-style: chr1-209803139-G-A.
Other names: c.1075C>T, p.Gln359Ter (NM_001017402.2, NM_001127641.1); short protein forms Q359*.
Identifiers: ClinVar variation 957867 (VCV000957867.7), dbSNP rs1666607402, ClinGen allele CA344592324.